The following is an entry in ClinVar:

ClinVar aggregate classification (germline): Uncertain significance (1 of 4 stars; one submission).

gnomAD v4.1: 1 of 1,581,400 alleles (0.000063%); highest among the groups gnomAD compares: East Asian, 0.0023%; no homozygotes.

Submission:

Labcorp Genetics (formerly Invitae), Labcorp
Classification: Uncertain significance. Last evaluated: 2025-12-08. Review status: criteria provided, single submitter. Criteria: Invitae Variant Classification Sherloc (09022015). Collection method: clinical testing. Allele origin: germline.
Comment: This sequence change creates a premature translational stop signal (p.Trp68*) in the RECQL gene. It is expected to result in an absent or disrupted protein product. However, the current clinical and genetic evidence is not sufficient to establish whether loss-of-function variants in RECQL cause disease. This variant is not present in population databases (gnomAD no frequency). This variant has not been reported in the literature in individuals affected with RECQL-related conditions. In summary, the available evidence is currently insufficient to determine the role of this variant in disease. Therefore, it has been classified as a Variant of Uncertain Significance.

NM_002907.4(RECQL):c.204G>A (p.Trp68Ter)

Gene: RECQL (RecQ like helicase; minus strand). Cytogenetic location: 12p12.1.
Variant type: single nucleotide variant.
Coding change: c.204G>A on transcript NM_002907.4 (MANE Select); coding-DNA position 204, G replaced by A.
Protein change: p.Trp68Ter; replaces tryptophan 68 with a stop codon.
Molecular consequence: nonsense.
Genome position (GRCh38, 1-based): chr12:21,491,529, C>T on the plus strand (G>A on the coding strand, the complement: RECQL is on the minus strand). VCF-style: chr12-21491529-C-T. GRCh37 (hg19) VCF-style: chr12-21644463-C-T.
Other names: c.204G>A, p.Trp68Ter (NM_032941.3); short protein forms W68*.
Identifiers: ClinVar variation 4732675 (VCV004732675.1).